The following is an entry in ClinVar:

NM_020699.4(GATAD2B):c.335+2T>G

Gene: GATAD2B (GATA zinc finger domain containing 2B; minus strand). Cytogenetic location: 1q21.3.
Variant type: single nucleotide variant.
Coding change: c.335+2T>G on transcript NM_020699.4 (MANE Select); the canonical splice donor site of the intron after coding-DNA position 335, T replaced by G.
Molecular consequence: splice donor variant.
Genome position (GRCh38, 1-based): chr1:153,828,011, A>C on the plus strand (T>G on the coding strand, the complement: GATAD2B is on the minus strand). VCF-style: chr1-153828011-A-C. GRCh37 (hg19) VCF-style: chr1-153800487-A-C.
Identifiers: ClinVar variation 280149 (VCV000280149.2), dbSNP rs1553189680, ClinGen allele CA10602755.

ClinVar aggregate classification (germline): Pathogenic (1 of 4 stars; one submission).

Submission:

GeneDx
Classification: Pathogenic. Last evaluated: 2017-08-14. Review status: criteria provided, single submitter. Criteria: GeneDx Variant Classification (06012015). Collection method: clinical testing. Allele origin: germline. Affected: yes.
Comment: The c.335+2T>G pathogenic variant in the GARAD2B gene has not been reported previously as a pathogenic variant nor as a benign variant, to our knowledge. This splice site variant destroys the canonical splice donor site in intron 2. It is predicted to cause abnormal gene splicing, either leading to an abnormal message that is subject to nonsense-mediated mRNA decay, or to an abnormal protein product if the message is used for protein translation. The c.335+2T>G variant was not observed in approximately 6,500 individuals of European and African American ancestry in the NHLBI Exome Sequencing Project, indicating it is not a common benign variant in these populations. We interpret c.335+2T>G as a pathogenic variant.